The following is an entry in ClinVar:

ClinVar aggregate classification (germline): Uncertain significance (1 of 4 stars; one submission).

Allele frequency attached by ClinVar (database versions not stated): ExAC 0.00002; TOPMed below 0.00001; gnomAD exomes 0.00002.
gnomAD v4.1: 18 of 1,607,178 alleles (0.0011%); highest among the groups gnomAD compares: Middle Eastern, 0.049%; no homozygotes.

Submission:

Labcorp Genetics (formerly Invitae), Labcorp
Classification: Uncertain significance. Last evaluated: 2022-06-13. Review status: criteria provided, single submitter. Criteria: Invitae Variant Classification Sherloc (09022015). Collection method: clinical testing. Allele origin: germline.
Comment: This sequence change replaces alanine, which is neutral and non-polar, with valine, which is neutral and non-polar, at codon 146 of the WHRN protein (p.Ala146Val). In summary, the available evidence is currently insufficient to determine the role of this variant in disease. Therefore, it has been classified as a Variant of Uncertain Significance. Algorithms developed to predict the effect of missense changes on protein structure and function are either unavailable or do not agree on the potential impact of this missense change (SIFT: "Tolerated"; PolyPhen-2: "Possibly Damaging"; Align-GVGD: "Class C0"). This variant has not been reported in the literature in individuals affected with WHRN-related conditions. This variant is present in population databases (rs778841607, gnomAD 0.004%).

NM_015404.4(WHRN):c.437C>T (p.Ala146Val)

Gene: WHRN (whirlin; minus strand). Cytogenetic location: 9q32.
Variant type: single nucleotide variant.
Coding change: c.437C>T on transcript NM_015404.4 (MANE Select); coding-DNA position 437, C replaced by T.
Protein change: p.Ala146Val; replaces alanine 146 with valine.
Molecular consequence: missense variant.
Genome position (GRCh38, 1-based): chr9:114,504,365, G>A on the plus strand (C>T on the coding strand, the complement: WHRN is on the minus strand). VCF-style: chr9-114504365-G-A. GRCh37 (hg19) VCF-style: chr9-117266645-G-A.
Other names: c.437C>T, p.Ala146Val (NM_001173425.2); short protein forms A146V.
Identifiers: ClinVar variation 1477071 (VCV001477071.5), dbSNP rs778841607, ClinGen allele CA5206278.